The following is an entry in ClinVar:

ClinVar aggregate classification (germline): Uncertain significance (1 of 4 stars; one submission).

Conditions:
Inborn genetic diseases. Identifiers: MedGen C0950123, MeSH D030342.

gnomAD v4.1: 2 of 1,614,212 alleles (0.00012%); highest among the groups gnomAD compares: Non-Finnish European, 0.00017%; no homozygotes.

Submission:

Ambry Genetics
Classification: Uncertain significance for Inborn genetic diseases. Last evaluated: 2025-11-02. Review status: criteria provided, single submitter. Criteria: Ambry Variant Classification Scheme 2023. Collection method: clinical testing. Allele origin: germline.
Comment: The p.V389M variant (also known as c.1165G>A), located in coding exon 13 of the FANCA gene, results from a G to A substitution at nucleotide position 1165. The valine at codon 389 is replaced by methionine, an amino acid with highly similar properties. This amino acid position is conserved. In addition, the in silico prediction for this alteration is inconclusive. Based on the available evidence, the clinical significance of this variant remains unclear.

NM_000135.4(FANCA):c.1165G>A (p.Val389Met)

Gene: FANCA (FA complementation group A; minus strand). Cytogenetic location: 16q24.3.
Variant type: single nucleotide variant.
Coding change: c.1165G>A on transcript NM_000135.4 (MANE Select); coding-DNA position 1165, G replaced by A.
Protein change: p.Val389Met; replaces valine 389 with methionine.
Molecular consequence: missense variant.
Genome position (GRCh38, 1-based): chr16:89,791,987, C>T on the plus strand (G>A on the coding strand, the complement: FANCA is on the minus strand). VCF-style: chr16-89791987-C-T. GRCh37 (hg19) VCF-style: chr16-89858395-C-T.
Other names: c.1165G>A, p.Val389Met (NM_001286167.3); short protein forms V389M.
Identifiers: ClinVar variation 4619240 (VCV004619240.1).